The following is an entry in ClinVar:

ClinVar aggregate classification (germline): Uncertain significance. Review status: criteria provided, multiple submitters, no conflicts (2 of 4 stars). 2 submissions from 2 submitters: Uncertain significance (2). Last evaluated 2025-08-04.

Conditions:
Primary ciliary dyskinesia. Also called: Ciliary dyskinesia. Identifiers: Orphanet 244, MedGen C0008780, MONDO:0016575, HP:0012265.

Allele frequency attached by ClinVar (database versions not stated): gnomAD exomes below 0.00001; TOPMed 0.00001.
gnomAD v4.1: 7 of 1,584,166 alleles (0.00044%); highest among the groups gnomAD compares: Admixed American, 0.0035%; no homozygotes.

Submissions (2):

Ambry Genetics
Classification: Uncertain significance for Primary ciliary dyskinesia. Last evaluated: 2025-08-04. Review status: criteria provided, single submitter. Criteria: Ambry Variant Classification Scheme 2023. Collection method: clinical testing. Allele origin: germline.

Labcorp Genetics (formerly Invitae), Labcorp
Classification: Uncertain significance for Primary ciliary dyskinesia. Last evaluated: 2024-01-19. Review status: criteria provided, single submitter. Criteria: Invitae Variant Classification Sherloc (09022015). Collection method: clinical testing. Allele origin: germline.
Comment: This sequence change replaces aspartic acid, which is acidic and polar, with glycine, which is neutral and non-polar, at codon 223 of the DNAAF2 protein (p.Asp223Gly). This variant is present in population databases (no rsID available, gnomAD 0.003%). This variant has not been reported in the literature in individuals affected with DNAAF2-related conditions. ClinVar contains an entry for this variant (Variation ID: 1363125). Advanced modeling of protein sequence and biophysical properties (such as structural, functional, and spatial information, amino acid conservation, physicochemical variation, residue mobility, and thermodynamic stability) performed at Invitae indicates that this missense variant is not expected to disrupt DNAAF2 protein function with a negative predictive value of 80%. In summary, the available evidence is currently insufficient to determine the role of this variant in disease. Therefore, it has been classified as a Variant of Uncertain Significance.

NM_018139.3(DNAAF2):c.668A>G (p.Asp223Gly)

Gene: DNAAF2 (dynein axonemal assembly factor 2; minus strand). Cytogenetic location: 14q21.3.
Variant type: single nucleotide variant.
Coding change: c.668A>G on transcript NM_018139.3 (MANE Select); coding-DNA position 668, A replaced by G.
Protein change: p.Asp223Gly; replaces aspartic acid 223 with glycine.
Molecular consequence: missense variant.
Genome position (GRCh38, 1-based): chr14:49,634,482, T>C on the plus strand (A>G on the coding strand, the complement: DNAAF2 is on the minus strand). VCF-style: chr14-49634482-T-C. GRCh37 (hg19) VCF-style: chr14-50101200-T-C.
Other names: c.668A>G (NM_018139.2); c.668A>G, p.Asp223Gly (NM_001083908.2); short protein forms D223G.
Identifiers: ClinVar variation 1363125 (VCV001363125.7), dbSNP rs1371877589, ClinGen allele CA389631167.